The following is an entry in ClinVar:

ClinVar aggregate classification (germline): Likely benign. Review status: criteria provided, multiple submitters, no conflicts (2 of 4 stars). 5 submissions from 3 submitters: Likely benign (5). Last evaluated 2025-12-18.

Conditions:
Charcot-Marie-Tooth disease axonal type 2X. Also called: CHARCOT-MARIE-TOOTH DISEASE, AXONAL, AUTOSOMAL RECESSIVE, TYPE 2X; CHARCOT-MARIE-TOOTH NEUROPATHY, TYPE 2X. Identifiers: Orphanet 466775, MedGen C5569024, MONDO:0014726, OMIM 616668.
Amyotrophic lateral sclerosis type 5 (ALS5). Also called: AMYOTROPHIC LATERAL SCLEROSIS 5, JUVENILE. Identifiers: Orphanet 300605, MedGen C1865864, MONDO:0011196, OMIM 602099.
Hereditary spastic paraplegia 11. Also called: Spastic Paraplegia 11; Spastic paraplegia, mental retardation and thin corpus callosum; Nakamura Osame syndrome; Autosomal recessive hereditary spastic paraplegia, mental impairment, and thin corpus callosum; SPASTIC PARAPLEGIA, AUTOSOMAL RECESSIVE, COMPLICATED, WITH THIN CORPUS CALLOSUM; SPASTIC PARAPLEGIA, AUTOSOMAL RECESSIVE, WITH MENTAL IMPAIRMENT AND THIN CORPUS CALLOSUM. Identifiers: Orphanet 2822, MedGen C1858479, MONDO:0011445, OMIM 604360.

Allele frequency attached by ClinVar (database versions not stated): gnomAD exomes 0.00002 and 0.00004; ExAC 0.00003; ESP Exome Variant Server 0.00015; 1000 Genomes Project 30x 0.00016; gnomAD 0.00023 and 0.00024; TOPMed 0.00025.
gnomAD v4.1: 58 of 1,598,632 alleles (0.0036%); highest among the groups gnomAD compares: African/African-American, 0.071%; no homozygotes.

Submissions (5):

Labcorp Genetics (formerly Invitae), Labcorp
Classification: Likely benign for Hereditary spastic paraplegia 11. Last evaluated: 2025-12-18. Review status: criteria provided, single submitter. Criteria: Invitae Variant Classification Sherloc (09022015). Collection method: clinical testing. Allele origin: germline.

GeneDx
Classification: Likely benign. Last evaluated: 2017-05-30. Review status: criteria provided, single submitter. Criteria: GeneDx Variant Classification (06012015). Collection method: clinical testing. Allele origin: germline. Affected: yes.
Comment: This variant is considered likely benign or benign based on one or more of the following criteria: it is a conservative change, it occurs at a poorly conserved position in the protein, it is predicted to be benign by multiple in silico algorithms, and/or has population frequency not consistent with disease.

Genome-Nilou Lab
Classification: Likely benign for Amyotrophic lateral sclerosis type 5. Review status: criteria provided, single submitter. Criteria: ACMG Guidelines, 2015. Collection method: clinical testing. Allele origin: germline.

Genome-Nilou Lab
Classification: Likely benign for Charcot-Marie-Tooth disease axonal type 2X. Review status: criteria provided, single submitter. Criteria: ACMG Guidelines, 2015. Collection method: clinical testing. Allele origin: germline.

Genome-Nilou Lab
Classification: Likely benign for Hereditary spastic paraplegia 11. Review status: criteria provided, single submitter. Criteria: ACMG Guidelines, 2015. Collection method: clinical testing. Allele origin: germline.

NM_025137.4(SPG11):c.1457-20A>C

Gene: SPG11 (SPG11 vesicle trafficking associated, spatacsin; minus strand). Cytogenetic location: 15q21.1.
Variant type: single nucleotide variant.
Coding change: c.1457-20A>C on transcript NM_025137.4 (MANE Select); 20 bases into the intron before coding-DNA position 1457, A replaced by C.
Molecular consequence: intron variant.
Genome position (GRCh38, 1-based): chr15:44,649,031, T>G on the plus strand (A>C on the coding strand, the complement: SPG11 is on the minus strand). VCF-style: chr15-44649031-T-G. GRCh37 (hg19) VCF-style: chr15-44941229-T-G.
Other names: c.1457-20A>C (NM_001160227.2).
Identifiers: ClinVar variation 509721 (VCV000509721.10), dbSNP rs376343587, ClinGen allele CA7535541.